The following is an entry in ClinVar:

NM_001458.5(FLNC):c.7483C>G (p.Arg2495Gly)

Genes: FLNC (filamin C; plus strand), FLNC-AS1 (FLNC antisense RNA 1; minus strand). Cytogenetic location: 7q32.1.
Variant type: single nucleotide variant.
Coding change: c.7483C>G on transcript NM_001458.5 (MANE Select); coding-DNA position 7483, C replaced by G.
Protein change: p.Arg2495Gly; replaces arginine 2495 with glycine.
Molecular consequence: missense variant.
Genome position (GRCh38, 1-based): chr7:128,856,843, C>G. VCF-style: chr7-128856843-C-G. GRCh37 (hg19) VCF-style: chr7-128496897-C-G.
Other names: c.7384C>G, p.Arg2462Gly (NM_001127487.2); short protein forms R2462G, R2495G.
Identifiers: ClinVar variation 2924052 (VCV002924052.6), dbSNP rs374925943, ClinGen allele CA4476279.

ClinVar aggregate classification (germline): Conflicting classifications of pathogenicity. Review status: criteria provided, conflicting classifications (1 of 4 stars). 4 submissions from 4 submitters: Uncertain significance (3); Likely benign (1). Last evaluated 2024-07-11.

Conditions:
Distal myopathy with posterior leg and anterior hand involvement. Also called: WILLIAMS DISTAL MYOPATHY. Identifiers: Orphanet 63273, MedGen C3279722, MONDO:0013550, OMIM 614065.
Myofibrillar myopathy 5. Also called: Filaminopathy (type); FILAMINOPATHY, AUTOSOMAL DOMINANT. Identifiers: Orphanet 171445, MedGen C1836050, MONDO:0012289, OMIM 609524.
Hypertrophic cardiomyopathy 26. Also called: Cardiomyopathy, familial hypertrophic, 26. Identifiers: Orphanet 75249, MedGen C4310749, MONDO:0014883, OMIM 617047.
Cardiovascular phenotype. Identifiers: MedGen CN230736.

Allele frequency attached by ClinVar (database versions not stated): ESP Exome Variant Server 0.00008.
gnomAD v4.1: 7 of 1,614,184 alleles (0.00043%); highest among the groups gnomAD compares: Non-Finnish European, 0.00051%; no homozygotes.

Submissions (4):

GeneDx
Classification: Uncertain significance. Last evaluated: 2024-07-11. Review status: criteria provided, single submitter. Criteria: GeneDx Variant Classification Process June 2021. Collection method: clinical testing. Allele origin: germline. Affected: yes.
Comment: Has not been previously published as pathogenic or benign to our knowledge; Not observed at significant frequency in large population cohorts (gnomAD); In silico analysis supports that this missense variant has a deleterious effect on protein structure/function

Ambry Genetics
Classification: Uncertain significance for Cardiovascular phenotype. Last evaluated: 2024-02-01. Review status: criteria provided, single submitter. Criteria: Ambry Variant Classification Scheme 2023. Collection method: clinical testing. Allele origin: germline.
Comment: The p.R2495G variant (also known as c.7483C>G), located in coding exon 45 of the FLNC gene, results from a C to G substitution at nucleotide position 7483. The arginine at codon 2495 is replaced by glycine, an amino acid with dissimilar properties. This amino acid position is conserved. In addition, this alteration is predicted to be deleterious by in silico analysis. Based on the available evidence, the clinical significance of this alteration remains unclear.

Labcorp Genetics (formerly Invitae), Labcorp
Classification: Likely benign for Distal myopathy with posterior leg and anterior hand involvement; Myofibrillar myopathy 5; Hypertrophic cardiomyopathy 26. Last evaluated: 2023-10-13. Review status: criteria provided, single submitter. Criteria: Invitae Variant Classification Sherloc (09022015). Collection method: clinical testing. Allele origin: germline.

Blueprint Genetics
Classification: Uncertain significance. Last evaluated: 2023-06-15. Review status: criteria provided, single submitter. Criteria: ACMG Guidelines, 2015. Collection method: clinical testing. Allele origin: germline.